The following is an entry in ClinVar:

NM_001080449.3(DNA2):c.1244del (p.Cys415fs)

Gene: DNA2 (DNA replication helicase/nuclease 2; minus strand). Cytogenetic location: 10q21.3.
Variant type: Deletion.
Coding change: c.1244del on transcript NM_001080449.3 (MANE Select); coding-DNA position 1244, one base deleted (G; older notation c.1244delG).
Protein change: p.Cys415fs; shifts the reading frame from cysteine 415.
Molecular consequence: frameshift variant. On other transcripts: non-coding transcript variant (1).
Genome position (GRCh38, 1-based): chr10:68,443,088, C deleted on the plus strand (G on the coding strand, the reverse complement: DNA2 is on the minus strand). VCF-style (leftmost placement, unchanged base first): chr10-68443087-AC-A. GRCh37 (hg19) VCF-style: chr10-70202844-AC-A.
Other names: short protein forms C415fs.
Identifiers: ClinVar variation 2578614 (VCV002578614.28), dbSNP rs2493954870, ClinGen allele CA2580617987.

ClinVar aggregate classification (germline): Uncertain significance. Review status: criteria provided, multiple submitters, no conflicts (2 of 4 stars). 2 submissions from 2 submitters: Uncertain significance (2). Last evaluated 2024-04-01.

Submissions (2):

CeGaT Center for Human Genetics Tuebingen
Classification: Uncertain significance. Last evaluated: 2024-04-01. Review status: criteria provided, single submitter. Criteria: CeGaT Center For Human Genetics Tuebingen Variant Classification Criteria Version 2. Collection method: clinical testing. Allele origin: germline. Affected: yes. Observed: 1 variant allele.
Comment: DNA2: PM2

Labcorp Genetics (formerly Invitae), Labcorp
Classification: Uncertain significance. Last evaluated: 2022-11-07. Review status: criteria provided, single submitter. Criteria: Invitae Variant Classification Sherloc (09022015). Collection method: clinical testing. Allele origin: germline.
Comment: In summary, the available evidence is currently insufficient to determine the role of this variant in disease. Therefore, it has been classified as a Variant of Uncertain Significance. Algorithms developed to predict the effect of sequence changes on RNA splicing suggest that this variant may disrupt the consensus splice site. This variant has not been reported in the literature in individuals affected with DNA2-related conditions. This variant is not present in population databases (gnomAD no frequency). This sequence change creates a premature translational stop signal (p.Cys415Leufs*7) in the DNA2 gene. It is expected to result in an absent or disrupted protein product. However, the current clinical and genetic evidence is not sufficient to establish whether loss-of-function variants in DNA2 cause disease.